The following is an entry in ClinVar:

NM_013335.4(GMPPA):c.578del (p.Pro193fs)

Genes: ASIC4-AS1 (ASIC4 antisense RNA 1; minus strand), GMPPA (GDP-mannose pyrophosphorylase A; plus strand). Cytogenetic location: 2q35.
Variant type: Deletion.
Coding change: c.578del on transcript NM_013335.4 (MANE Select); coding-DNA position 578, one base deleted (C; older notation c.578delC).
Protein change: p.Pro193fs; shifts the reading frame from proline 193.
Molecular consequence: frameshift variant.
Genome position (GRCh38, 1-based): chr2:219,504,171, C deleted; the last of 2 consecutive C bases (chr2:219,504,170-219,504,171); deleting either gives the same sequence. VCF-style (leftmost placement, unchanged base first): chr2-219504169-GC-G. GRCh37 (hg19) VCF-style: chr2-220368891-GC-G.
Other names: c.578del, p.Pro193fs (NM_001374294.1, NM_001374295.1, NM_001438893.1 and 3 more transcripts); short protein forms P193fs.
Identifiers: ClinVar variation 4264530 (VCV004264530.2).

ClinVar aggregate classification (germline): Pathogenic. Review status: criteria provided, multiple submitters, no conflicts (2 of 4 stars). 2 submissions from 2 submitters: Pathogenic (2). Last evaluated 2025-07-24.

Conditions:
Alacrima, achalasia, and impaired intellectual development syndrome. Also called: Alacrima, achalasia, and mental retardation syndrome; Alacrima, achalasia, and intellectual disability syndrome. Identifiers: Orphanet 869, MedGen C4706563, MONDO:0014219, OMIM 615510.
Inborn genetic diseases. Identifiers: MedGen C0950123, MeSH D030342.

Submissions (2):

Ambry Genetics
Classification: Pathogenic for Inborn genetic diseases. Last evaluated: 2025-07-24. Review status: criteria provided, single submitter. Criteria: Ambry Variant Classification Scheme 2023. Collection method: clinical testing. Allele origin: germline.
Comment: The c.578delC (p.P193Lfs*30) alteration, located in exon 7 (coding exon 6) of the GMPPA gene, consists of a deletion of one nucleotide at position 578, causing a translational frameshift with a predicted alternate stop codon after 30 amino acids. This alteration is expected to result in loss of function by premature protein truncation or nonsense-mediated mRNA decay. This variant was not reported in population-based cohorts in the Genome Aggregation Database (gnomAD). Based on the available evidence, this alteration is classified as pathogenic.

Labcorp Genetics (formerly Invitae), Labcorp
Classification: Pathogenic for Alacrima, achalasia, and impaired intellectual development syndrome. Last evaluated: 2025-04-17. Review status: criteria provided, single submitter. Criteria: Invitae Variant Classification Sherloc (09022015). Collection method: clinical testing. Allele origin: germline.
Comment: This sequence change creates a premature translational stop signal (p.Pro193Leufs*30) in the GMPPA gene. It is expected to result in an absent or disrupted protein product. Loss-of-function variants in GMPPA are known to be pathogenic (PMID: 24035193). This variant is not present in population databases (gnomAD no frequency). This variant has not been reported in the literature in individuals affected with GMPPA-related conditions. For these reasons, this variant has been classified as Pathogenic.

Literature cited by the submitters: PubMed 24035193 (cited by Labcorp Genetics (formerly Invitae), Labcorp).